The following is an entry in ClinVar:

ClinVar aggregate classification (germline): Pathogenic (1 of 4 stars; one submission).

Conditions:
Neurofibromatosis, type 1 (NF1). Also called: NEUROFIBROMATOSIS, TYPE I, SOMATIC; Peripheral type neurofibromatosis; Neurofibromatosis, type I; VON RECKLINGHAUSEN DISEASE. Identifiers: Orphanet 636, MedGen C0027831, MONDO:0018975, OMIM 162200. Disease mechanism: loss of function.

Submission:

Labcorp Genetics (formerly Invitae), Labcorp
Classification: Pathogenic for Neurofibromatosis, type 1. Last evaluated: 2025-01-23. Review status: criteria provided, single submitter. Criteria: Invitae Variant Classification Sherloc (09022015). Collection method: clinical testing. Allele origin: germline.
Comment: This sequence change creates a premature translational stop signal (p.Val530Argfs*30) in the NF1 gene. It is expected to result in an absent or disrupted protein product. Loss-of-function variants in NF1 are known to be pathogenic (PMID: 10712197, 23913538). This variant is not present in population databases (gnomAD no frequency). This variant has not been reported in the literature in individuals affected with NF1-related conditions. For these reasons, this variant has been classified as Pathogenic.

Literature cited by the submitters: PubMed 10712197; PubMed 23913538.

NM_001042492.3(NF1):c.1581_1587dup (p.Val530fs)

Gene: NF1 (neurofibromin 1; plus strand). Cytogenetic location: 17q11.2.
Variant type: Duplication.
Coding change: c.1581_1587dup on transcript NM_001042492.3 (MANE Select); coding-DNA positions 1581 to 1587, 7 bases duplicated (AGGGCTC; older notation c.1581_1587dupAGGGCTC).
Protein change: p.Val530fs; shifts the reading frame from valine 530.
Molecular consequence: frameshift variant.
Genome position (GRCh38, 1-based): chr17:31,219,058-31,219,064, AGGGCTC duplicated; duplicating any 7 consecutive bases within chr17:31,219,057-31,219,064 gives the same sequence; the c. name uses the placement nearest the transcript's 3' end. VCF-style (leftmost placement, unchanged base first): chr17-31219056-A-ACAGGGCT. GRCh37 (hg19) VCF-style: chr17-29546074-A-ACAGGGCT.
Other names: c.1581_1587dup, p.Val530Argfs (NM_000267.4); c.1581_1587dup, p.Val530fs (NM_001128147.3); short protein forms V530fs.
Identifiers: ClinVar variation 3729468 (VCV003729468.2).